The following is an entry in ClinVar:

ClinVar aggregate classification (germline): Pathogenic (1 of 4 stars; one submission).

Allele frequency attached by ClinVar (database versions not stated): gnomAD exomes below 0.00001.

Submission:

GeneDx
Classification: Pathogenic. Last evaluated: 2014-09-03. Review status: criteria provided, single submitter. Criteria: GeneDx Variant Classification (06012015). Collection method: clinical testing. Allele origin: germline. Affected: yes.
Comment: c.625_626delAT: p.Ile209ArgfsX2 in exon 5 in the BCS1L gene (NM_004328.4). The normal sequence with the bases that are deleted in braces is: ATTC{AT}CGAT. The c.625_626delAT mutation in the BCS1L gene has not been reported previously as a disease-causing mutation nor as a benign polymorphism, to our knowledge. The c.625_626delAT mutation causes a frameshift starting with codon Isoleucine 209, changes this amino acid to aArginine residue and creates a premature Stop codon at position 2 of the new reading frame, denoted p.Ile209ArgfsX2. This mutation is predicted to cause loss of normal protein function either through protein truncation or nonsense-mediated mRNA decay. The c.625_626delAT mutation was not observed in approximately 6,500 individuals of European and African American ancestry in the NHLBI Exome Sequencing Project, indicating it is not a common benign variant in these populations. We interpret c.625_626delAT as a disease-causing mutation. The variant is found in BCS1L, panel(s).

NM_001079866.2(BCS1L):c.625_626del (p.Ile209fs)

Gene: BCS1L (BCS1 homolog, ubiquinol-cytochrome c reductase complex chaperone; plus strand). Cytogenetic location: 2q35.
Variant type: Deletion.
Coding change: c.625_626del on transcript NM_001079866.2 (MANE Select); coding-DNA positions 625 to 626, 2 bases deleted (AT; older notation c.625_626delAT).
Protein change: p.Ile209fs; shifts the reading frame from isoleucine 209.
Molecular consequence: frameshift variant. On other transcripts: non-coding transcript variant (1).
Genome position (GRCh38, 1-based): chr2:218,661,923-218,661,924, AT deleted. VCF-style (leftmost placement, unchanged base first): chr2-218661922-CAT-C. GRCh37 (hg19) VCF-style: chr2-219526645-CAT-C.
Other names: p.209_209del; c.625_626del, p.Ile209fs (NM_001257342.2, NM_001257343.2, NM_001257344.2 and 10 more transcripts); c.265_266del, p.Ile89fs (NM_001318836.2, NM_001371451.1); c.124_125del, p.Ile42fs (NM_001371452.1, NM_001371453.1, NM_001371454.1 and 3 more transcripts); c.625_626delAT (NM_004328.4); short protein forms I209fs, I89fs, I42fs.
Identifiers: ClinVar variation 214164 (VCV000214164.1), dbSNP rs863223915, ClinGen allele CA323582.